The following is an entry in ClinVar:

NM_000111.3(SLC26A3):c.1678-13A>G

Gene: SLC26A3 (solute carrier family 26 member 3; minus strand). Cytogenetic location: 7q22.3.
Variant type: single nucleotide variant.
Coding change: c.1678-13A>G on transcript NM_000111.3 (MANE Select); 13 bases into the intron before coding-DNA position 1678, A replaced by G.
Molecular consequence: intron variant.
Genome position (GRCh38, 1-based): chr7:107,774,885, T>C on the plus strand (A>G on the coding strand, the complement: SLC26A3 is on the minus strand). VCF-style: chr7-107774885-T-C. GRCh37 (hg19) VCF-style: chr7-107415330-T-C.
Identifiers: ClinVar variation 1957754 (VCV001957754.2), dbSNP rs1016078988, ClinGen allele CA164233784.
Genomic context (GRCh38, chr7:107,774,885, plus strand): 5'-CAAAGCTTTGTTGCGCTTGCGTAGAATTCGAAGTGGACTAAAGCCAACCTGAGAAACCCA[T>C]TGCTGTGTTACAAGAGTACTGAATATTCTGTTATTTATATAGCATAGTTCTAACAACTTT-3'

ClinVar aggregate classification (germline): Uncertain significance (1 of 4 stars; one submission).

Allele frequency attached by ClinVar (database versions not stated): TOPMed 0.00002.

Submission:

Labcorp Genetics (formerly Invitae), Labcorp
Classification: Uncertain significance. Last evaluated: 2022-06-10. Review status: criteria provided, single submitter. Criteria: Invitae Variant Classification Sherloc (09022015). Collection method: clinical testing. Allele origin: germline.
Comment: This sequence change falls in intron 15 of the SLC26A3 gene. It does not directly change the encoded amino acid sequence of the SLC26A3 protein. This variant is not present in population databases (gnomAD no frequency). This variant has not been reported in the literature in individuals affected with SLC26A3-related conditions. Algorithms developed to predict the effect of sequence changes on RNA splicing suggest that this variant may create or strengthen a splice site. In summary, the available evidence is currently insufficient to determine the role of this variant in disease. Therefore, it has been classified as a Variant of Uncertain Significance.